The following is an entry in ClinVar:

NM_000168.6(GLI3):c.4740A>G (p.Gln1580=)

Gene: GLI3 (GLI family zinc finger 3; minus strand). Cytogenetic location: 7p14.1.
Variant type: single nucleotide variant.
Coding change: c.4740A>G on transcript NM_000168.6 (MANE Select); coding-DNA position 4740, A replaced by G.
Protein change: p.Gln1580=; no amino-acid change (glutamine 1580 retained).
Molecular consequence: synonymous variant.
Genome position (GRCh38, 1-based): chr7:41,964,333, T>C on the plus strand (A>G on the coding strand, the complement: GLI3 is on the minus strand). VCF-style: chr7-41964333-T-C. GRCh37 (hg19) VCF-style: chr7-42003931-T-C.
Identifiers: ClinVar variation 459215 (VCV000459215.11), dbSNP rs375653915, ClinGen allele CA4230059.

ClinVar aggregate classification (germline): Likely benign. Review status: criteria provided, multiple submitters, no conflicts (2 of 4 stars). 3 submissions from 3 submitters: Likely benign (2). 1 of the submissions does not count toward it. Last evaluated 2025-09-15.

Conditions:
GLI3-related disorder. Also called: GLI3-related condition; GLI3-related disorders. Identifiers: MedGen CN239292.
Pallister-Hall syndrome (PHS). Also called: GLI3-Related Pallister-Hall Syndrome; HYPOTHALAMIC HAMARTOBLASTOMA, HYPOPITUITARISM, IMPERFORATE ANUS, AND POSTAXIAL POLYDACTYLY. Identifiers: Orphanet 672, MedGen C0265220, MONDO:0007804, OMIM 146510.
Greig cephalopolysyndactyly syndrome (GCPS). Also called: Greig syndrome; GLI3-Related Greig Cephalopolysyndactyly Syndrome; POLYSYNDACTYLY WITH PECULIAR SKULL SHAPE. Identifiers: Orphanet 380, MedGen C0265306, MONDO:0008287, OMIM 175700.

Allele frequency attached by ClinVar (database versions not stated): gnomAD exomes 0.00004 and 0.00012; TOPMed 0.00005; ESP Exome Variant Server 0.00008; ExAC 0.00010; gnomAD 0.00004.
gnomAD v4.1: 59 of 1,613,804 alleles (0.0037%); highest among the groups gnomAD compares: Admixed American, 0.057%; no homozygotes.

Submissions (3):

Labcorp Genetics (formerly Invitae), Labcorp
Classification: Likely benign for Pallister-Hall syndrome; Greig cephalopolysyndactyly syndrome. Last evaluated: 2025-09-15. Review status: criteria provided, single submitter. Criteria: Invitae Variant Classification Sherloc (09022015). Collection method: clinical testing. Allele origin: germline.

Blueprint Genetics
Classification: Likely benign. Last evaluated: 2023-10-16. Review status: criteria provided, single submitter. Criteria: ACMG Guidelines, 2015. Collection method: clinical testing. Allele origin: germline.

PreventionGenetics, part of Exact Sciences
Classification: Likely benign for GLI3-related condition. Last evaluated: 2023-12-15. Review status: no assertion criteria provided. Collection method: clinical testing. Allele origin: germline. Not counted in ClinVar's aggregate classification.
Comment: This variant is classified as likely benign based on ACMG/AMP sequence variant interpretation guidelines (Richards et al. 2015 PMID: 25741868, with internal and published modifications).